The following is an entry in ClinVar:

ClinVar aggregate classification (germline): Uncertain significance (1 of 4 stars; one submission).

Conditions:
Hereditary cancer-predisposing syndrome. Also called: Hereditary Cancer Syndrome; Neoplastic Syndromes, Hereditary; Tumor predisposition; Hereditary neoplastic syndrome. Identifiers: Orphanet 140162, MedGen C0027672, MeSH D009386, MONDO:0015356.

Submission:

Ambry Genetics
Classification: Uncertain significance for Hereditary cancer-predisposing syndrome. Last evaluated: 2026-07-06. Review status: criteria provided, single submitter. Criteria: Ambry Variant Classification Scheme 2023. Collection method: clinical testing. Allele origin: germline.
Comment: The p.G1136A variant (also known as c.3407G>C), located in coding exon 20 of the DICER1 gene, results from a G to C substitution at nucleotide position 3407. The glycine at codon 1136 is replaced by alanine, an amino acid with similar properties. This amino acid position is conserved. In addition, this alteration is predicted to be tolerated by in silico analysis. Based on the available evidence, the clinical significance of this variant remains unclear.

NM_177438.3(DICER1):c.3407G>C (p.Gly1136Ala)

Gene: DICER1 (dicer 1, ribonuclease III; minus strand). Cytogenetic location: 14q32.13.
Variant type: single nucleotide variant.
Coding change: c.3407G>C on transcript NM_177438.3 (MANE Select); coding-DNA position 3407, G replaced by C.
Protein change: p.Gly1136Ala; replaces glycine 1136 with alanine.
Molecular consequence: missense variant. On other transcripts: non-coding transcript variant (6).
Genome position (GRCh38, 1-based): chr14:95,103,989, C>G on the plus strand (G>C on the coding strand, the complement: DICER1 is on the minus strand). VCF-style: chr14-95103989-C-G. GRCh37 (hg19) VCF-style: chr14-95570326-C-G.
Other names: c.3407G>C, p.Gly1136Ala (NM_001195573.1, NM_001271282.3, NM_001291628.2 and 12 more transcripts); c.3125G>C, p.Gly1042Ala (NM_001395686.1); c.3002G>C, p.Gly1001Ala (NM_001395687.1, NM_001395688.1, NM_001395689.1 and 2 more transcripts); c.2840G>C, p.Gly947Ala (NM_001395691.1); c.1724G>C, p.Gly575Ala (NM_001395697.1); short protein forms G1042A, G1136A, G575A, G947A, G1001A.
Identifiers: ClinVar variation 5035249 (VCV005035249.1).